The following is an entry in ClinVar:

ClinVar aggregate classification (germline): Uncertain significance (1 of 4 stars; one submission).

gnomAD v4.1: 2 of 1,511,284 alleles (0.00013%); highest among the groups gnomAD compares: Non-Finnish European, 0.00018%; no homozygotes.

Submission:

Women's Health and Genetics/Laboratory Corporation of America, LabCorp
Classification: Uncertain significance. Last evaluated: 2025-11-03. Review status: criteria provided, single submitter. Criteria: LabCorp Variant Classification Summary - May 2015. Collection method: clinical testing. Allele origin: germline.
Comment: Variant summary: MAST1 c.4438T>C (p.Trp1480Arg) results in a non-conservative amino acid change in the encoded protein sequence. Algorithms developed to predict the effect of missense changes on protein structure and function are either unavailable or do not agree on the potential impact of this missense change. The variant was absent in 147400 control chromosomes. The available data on variant occurrences in the general population are insufficient to allow any conclusion about variant significance. To our knowledge, no occurrence of c.4438T>C in individuals affected with MAST1-related conditions and no experimental evidence demonstrating its impact on protein function have been reported. No submitters have cited clinical-significance assessments for this variant to ClinVar. Based on the evidence outlined above, the variant was classified as uncertain significance.

NM_014975.3(MAST1):c.4438T>C (p.Trp1480Arg)

Gene: MAST1 (microtubule associated serine/threonine kinase 1; plus strand). Cytogenetic location: 19p13.13.
Variant type: single nucleotide variant.
Coding change: c.4438T>C on transcript NM_014975.3 (MANE Select); coding-DNA position 4438, T replaced by C.
Protein change: p.Trp1480Arg; replaces tryptophan 1480 with arginine.
Molecular consequence: missense variant.
Genome position (GRCh38, 1-based): chr19:12,874,595, T>C. VCF-style: chr19-12874595-T-C. GRCh37 (hg19) VCF-style: chr19-12985409-T-C.
Other names: short protein forms W1480R.
Identifiers: ClinVar variation 4537143 (VCV004537143.1).
Genomic context (GRCh38, chr19:12,874,595, plus strand): 5'-TTGCAGGAACCCGCACCCCTGGCGCCTTCCGTGCCCGAGGCCCCCCGGGGCCGGGAGCGC[T>C]GGGTGTTGGAGGTGGTGGAGGAGCGCACCACGCTGAGCGGTCCTCGCTCCAAGCCCGCCT-3'
Protein context (NP_055790.1, residues 1470-1490): VPEAPRGRER[Trp1480Arg]VLEVVEERTT